The following is an entry in ClinVar:

NM_001290060.2(SEMA3B):c.1244C>T (p.Thr415Ile)

Gene: SEMA3B (semaphorin 3B; plus strand). Cytogenetic location: 3p21.31.
Variant type: single nucleotide variant.
Coding change: c.1244C>T on transcript NM_001290060.2 (MANE Select); coding-DNA position 1244, C replaced by T.
Protein change: p.Thr415Ile; replaces threonine 415 with isoleucine.
Molecular consequence: missense variant. On other transcripts: non-coding transcript variant (1).
Genome position (GRCh38, 1-based): chr3:50,274,469, C>T. VCF-style: chr3-50274469-C-T. GRCh37 (hg19) VCF-style: chr3-50311900-C-T.
Other names: c.1241C>T, p.Thr414Ile (NM_001005914.3); c.1259C>T, p.Thr420Ile (NM_001290061.1); c.215C>T, p.Thr72Ile (NM_001290062.2, NM_001290063.2); c.1244C>T, p.Thr415Ile (NM_004636.4); short protein forms T414I, T415I, T420I, T72I.
Identifiers: ClinVar variation 3058923 (VCV003058923.2), dbSNP rs2071203, ClinGen allele CA2413993.
Genomic context (GRCh38, chr3:50,274,469, plus strand): 5'-CAGACGATGTCATCCAGTTTGCGCGGAACCACCCCCTCATGTACAACTCTGTCCTGCCCA[C>T]TGGGGGGCGCCCTCTTTTCCTACAAGTTGGAGCCAATTACACCTTCACTCAAATTGCCGC-3'
Protein context (NP_001276989.1, residues 405-425): HPLMYNSVLP[Thr415Ile]GGRPLFLQVG

ClinVar aggregate classification (germline): Benign (0 of 4 stars; one submission).

Conditions:
SEMA3B-related disorder. Also called: SEMA3B-related condition.

Allele frequency attached by ClinVar (database versions not stated): ESP Exome Variant Server 0.05753; TOPMed 0.12877; 1000 Genomes Project 30x 0.21127; 1000 Genomes Project 0.21705; gnomAD 0.10398; ExAC 0.11451.
gnomAD v4.1: 63,385 of 1,550,080 alleles (4.1%); highest among the groups gnomAD compares: East Asian, 54%; 11,737 homozygotes.

Submission:

PreventionGenetics, part of Exact Sciences
Classification: Benign for SEMA3B-related condition. Last evaluated: 2024-09-11. Review status: no assertion criteria provided. Collection method: clinical testing. Allele origin: germline.
Comment: This variant is classified as benign based on ACMG/AMP sequence variant interpretation guidelines (Richards et al. 2015 PMID: 25741868, with internal and published modifications).